The following is an entry in ClinVar:

ClinVar aggregate classification (germline): Likely benign (1 of 4 stars; one submission).

Allele frequency attached by ClinVar (database versions not stated): gnomAD exomes 0.00020; ExAC 0.00064; ESP Exome Variant Server 0.00183; gnomAD 0.00194; TOPMed 0.00216; 1000 Genomes Project 0.00359; 1000 Genomes Project 30x 0.00406.
gnomAD v4.1: 610 of 1,613,560 alleles (0.038%); highest among the groups gnomAD compares: African/African-American, 0.7%; 4 homozygotes.

Submission:

CeGaT Center for Human Genetics Tuebingen
Classification: Likely benign. Last evaluated: 2022-04-01. Review status: criteria provided, single submitter. Criteria: CeGaT Center For Human Genetics Tuebingen Variant Classification Criteria Version 2. Collection method: clinical testing. Allele origin: germline. Affected: yes. Observed: 1 variant allele.
Comment: KNTC1: BP4, BP7

NM_014708.6(KNTC1):c.1347C>T (p.Thr449=)

Gene: KNTC1 (kinetochore associated 1; plus strand). Cytogenetic location: 12q24.31.
Variant type: single nucleotide variant.
Coding change: c.1347C>T on transcript NM_014708.6 (MANE Select); coding-DNA position 1347, C replaced by T.
Protein change: p.Thr449=; no amino-acid change (threonine 449 retained).
Molecular consequence: synonymous variant.
Genome position (GRCh38, 1-based): chr12:122,557,458, C>T. VCF-style: chr12-122557458-C-T. GRCh37 (hg19) VCF-style: chr12-123042005-C-T.
Identifiers: ClinVar variation 2643501 (VCV002643501.24), dbSNP rs143555331, ClinGen allele CA6847533.